The following is an entry in ClinVar:

NM_015338.6(ASXL1):c.4360T>A (p.Phe1454Ile)

Gene: ASXL1 (ASXL transcriptional regulator 1; plus strand). Cytogenetic location: 20q11.21.
Variant type: single nucleotide variant.
Coding change: c.4360T>A on transcript NM_015338.6 (MANE Select); coding-DNA position 4360, T replaced by A.
Protein change: p.Phe1454Ile; replaces phenylalanine 1454 with isoleucine.
Molecular consequence: missense variant.
Genome position (GRCh38, 1-based): chr20:32,437,072, T>A. VCF-style: chr20-32437072-T-A. GRCh37 (hg19) VCF-style: chr20-31024875-T-A.
Other names: c.4177T>A, p.Phe1393Ile (NM_001363734.1); short protein forms F1393I, F1454I.
Identifiers: ClinVar variation 2502738 (VCV002502738.1), dbSNP rs2515592894, ClinGen allele CA408564995.

ClinVar aggregate classification (germline): Uncertain significance (1 of 4 stars; one submission).

Submission:

GeneDx
Classification: Uncertain significance. Last evaluated: 2022-11-18. Review status: criteria provided, single submitter. Criteria: GeneDx Variant Classification Process June 2021. Collection method: clinical testing. Allele origin: germline. Affected: yes.
Comment: Not observed at significant frequency in large population cohorts (gnomAD); In silico analysis supports that this missense variant has a deleterious effect on protein structure/function; Has not been previously published as pathogenic or benign to our knowledge